The following is an entry in ClinVar:

ClinVar aggregate classification (germline): Likely benign (1 of 4 stars; one submission).

Submission:

CeGaT Center for Human Genetics Tuebingen
Classification: Likely benign. Last evaluated: 2023-03-01. Review status: criteria provided, single submitter. Criteria: CeGaT Center For Human Genetics Tuebingen Variant Classification Criteria Version 2. Collection method: clinical testing. Allele origin: germline. Affected: yes. Observed: 8 variant alleles.
Comment: HCN4: BS2

NC_000015.10:g.73377588_73377599del

Genes: HCN4 (hyperpolarization activated cyclic nucleotide gated potassium channel 4; minus strand), LOC110121492 (VISTA enhancer hs2161; plus strand). Cytogenetic location: 15q24.1.
Variant type: Deletion.
Genome position: GRCh38 VCF-style: chr15-73377579-CAGAGGCTGTGAT-C. GRCh37 (hg19) VCF-style: chr15-73669920-CAGAGGCTGTGAT-C.
Identifiers: ClinVar variation 2498620 (VCV002498620.28), dbSNP rs1430029921, ClinGen allele CA619079398.
Genomic context (GRCh38, chr15:73,377,579, plus strand): 5'-CAGAGGCTGTGACAGAGGCTGTGACAGAGGCTGTGATAGAGACTGTGACAGGGGCTGCGA[CAGAGGCTGTGAT>C]AGAGGCTGCGACAGAGGCCGTGATAGAGGCTGTGATAGAGGCTGTGACAGAGGCTGTGAT-3'